The following is an entry in ClinVar:

ClinVar aggregate classification (germline): Likely benign (1 of 4 stars; one submission).

Submission:

CeGaT Center for Human Genetics Tuebingen
Classification: Likely benign. Last evaluated: 2025-11-01. Review status: criteria provided, single submitter. Criteria: CeGaT Center For Human Genetics Tuebingen Variant Classification Criteria Version 2. Collection method: clinical testing. Allele origin: germline. Affected: yes. Observed: 1 variant allele.
Comment: MUC22: PM2:Supporting, BP4, BP7

NM_001395414.1(MUC22):c.1827C>T (p.Ser609=)

Gene: MUC22 (mucin 22; plus strand). Cytogenetic location: 6p21.33.
Variant type: single nucleotide variant.
Coding change: c.1827C>T on transcript NM_001395414.1 (MANE Select); coding-DNA position 1827, C replaced by T.
Protein change: p.Ser609=; no amino-acid change (serine 609 retained).
Molecular consequence: synonymous variant.
Genome position (GRCh38, 1-based): chr6:31,027,258, C>T. VCF-style: chr6-31027258-C-T. GRCh37 (hg19) VCF-style: chr6-30995035-C-T.
Other names: c.1827C>T, p.Ser609= (NM_001198815.1); c.1836C>T, p.Ser612= (NM_001318484.1).
Identifiers: ClinVar variation 4533423 (VCV004533423.6).